The following is an entry in ClinVar:

ClinVar aggregate classification (germline): Uncertain significance (1 of 4 stars; one submission).

Conditions:
Joubert syndrome 25 (JBTS25). Identifiers: Orphanet 475, MedGen C4084842, MONDO:0014770, OMIM 616781.

Allele frequency attached by ClinVar (database versions not stated): gnomAD exomes 0.00001 and 0.00003; ExAC 0.00006; gnomAD 0.00013 and 0.00015; TOPMed 0.00013; ESP Exome Variant Server 0.00023; 1000 Genomes Project 30x 0.00031; 1000 Genomes Project 0.00040.
gnomAD v4.1: 40 of 1,599,038 alleles (0.0025%); highest among the groups gnomAD compares: African/African-American, 0.038%; no homozygotes.

Submission:

Labcorp Genetics (formerly Invitae), Labcorp
Classification: Uncertain significance for Joubert syndrome 25. Last evaluated: 2024-07-30. Review status: criteria provided, single submitter. Criteria: Invitae Variant Classification Sherloc (09022015). Collection method: clinical testing. Allele origin: germline.
Comment: This sequence change replaces threonine, which is neutral and polar, with proline, which is neutral and non-polar, at codon 163 of the CEP104 protein (p.Thr163Pro). This variant is present in population databases (rs200208264, gnomAD 0.04%). This variant has not been reported in the literature in individuals affected with CEP104-related conditions. ClinVar contains an entry for this variant (Variation ID: 1416075). An algorithm developed to predict the effect of missense changes on protein structure and function (PolyPhen-2) suggests that this variant¬†is likely to be tolerated. In summary, the available evidence is currently insufficient to determine the role of this variant in disease. Therefore, it has been classified as a Variant of Uncertain Significance.

NM_014704.4(CEP104):c.487A>C (p.Thr163Pro)

Gene: CEP104 (centrosomal protein 104; minus strand). Cytogenetic location: 1p36.32.
Variant type: single nucleotide variant.
Coding change: c.487A>C on transcript NM_014704.4 (MANE Select); coding-DNA position 487, A replaced by C.
Protein change: p.Thr163Pro; replaces threonine 163 with proline.
Molecular consequence: missense variant.
Genome position (GRCh38, 1-based): chr1:3,845,291, T>G on the plus strand (A>C on the coding strand, the complement: CEP104 is on the minus strand). VCF-style: chr1-3845291-T-G. GRCh37 (hg19) VCF-style: chr1-3761855-T-G.
Other names: short protein forms T163P.
Identifiers: ClinVar variation 1416075 (VCV001416075.6), dbSNP rs200208264, ClinGen allele CA551961.
Genomic context (GRCh38, chr1:3,845,291, plus strand): 5'-ACTCCCTCCCATTATAAATAGATTTACTTCCTTAGGAATTAAAACTTTCCAAACTTACAG[T>G]ATTGCTTTCATCACTGAAATCTGCAGGGTCTCCAATGATATTTATGGCAACCAAAGCAAC-3'
Protein context (NP_055519.1, residues 153-173): DPADFSDESN[Thr163Pro]ASREKLIDHY